The following is an entry in ClinVar:

NM_000179.3(MSH6):c.1350A>G (p.Val450=)

Gene: MSH6 (mutS homolog 6; plus strand). Cytogenetic location: 2p16.3.
Variant type: single nucleotide variant.
Coding change: c.1350A>G on transcript NM_000179.3 (MANE Select); coding-DNA position 1350, A replaced by G.
Protein change: p.Val450=; no amino-acid change (valine 450 retained).
Molecular consequence: synonymous variant.
Genome position (GRCh38, 1-based): chr2:47,799,333, A>G. VCF-style: chr2-47799333-A-G. GRCh37 (hg19) VCF-style: chr2-48026472-A-G.
Other names: c.960A>G, p.Val320= (NM_001281492.2); c.444A>G, p.Val148= (NM_001281493.2, NM_001281494.2).
Identifiers: ClinVar variation 793263 (VCV000793263.10), dbSNP rs1572722670, ClinGen allele CA426121068.

ClinVar aggregate classification (germline): Likely benign. Review status: criteria provided, multiple submitters, no conflicts (2 of 4 stars). 3 submissions from 3 submitters: Likely benign (3). Last evaluated 2025-04-19.

Conditions:
Hereditary nonpolyposis colorectal neoplasms. Identifiers: MedGen C0009405, MeSH D003123.
Lynch syndrome. Identifiers: Orphanet 144, MedGen C4552100, MONDO:0005835. Disease mechanism: loss of function.
Hereditary cancer-predisposing syndrome. Also called: Tumor predisposition; Hereditary neoplastic syndrome; Hereditary Cancer Syndrome; Neoplastic Syndromes, Hereditary. Identifiers: Orphanet 140162, MedGen C0027672, MeSH D009386, MONDO:0015356.

Submissions (3):

Ambry Genetics
Classification: Likely benign for Hereditary cancer-predisposing syndrome. Last evaluated: 2025-04-19. Review status: criteria provided, single submitter. Criteria: Ambry Variant Classification Scheme 2023. Collection method: clinical testing. Allele origin: germline.

All of Us Research Program, National Institutes of Health
Classification: Likely benign for Lynch syndrome. Last evaluated: 2024-04-16. Review status: criteria provided, single submitter. Criteria: ACMG Guidelines, 2015. Collection method: clinical testing. Allele origin: germline. Inheritance: Autosomal dominant inheritance. Observed: 1 variant allele, 1 heterozygote.
Comment: This study involves interpretation of variants in research participants for the purpose of population health screening. Participant phenotype was not available at the time of variant classification. Additional details can be found in publication PMID: 35346344, PMCID: PMC8962531

Labcorp Genetics (formerly Invitae), Labcorp
Classification: Likely benign for Hereditary nonpolyposis colorectal neoplasms. Last evaluated: 2022-09-01. Review status: criteria provided, single submitter. Criteria: Invitae Variant Classification Sherloc (09022015). Collection method: clinical testing. Allele origin: germline.